The following is an entry in ClinVar:

ClinVar aggregate classification (germline): Conflicting classifications of pathogenicity. Review status: criteria provided, conflicting classifications (1 of 4 stars). 3 submissions from 3 submitters: Uncertain significance (1); Likely benign (2). Last evaluated 2026-01-14.

Conditions:
Hereditary cancer-predisposing syndrome. Also called: Tumor predisposition; Hereditary Cancer Syndrome; Hereditary neoplastic syndrome; Neoplastic Syndromes, Hereditary. Identifiers: Orphanet 140162, MedGen C0027672, MeSH D009386, MONDO:0015356.
Hereditary nonpolyposis colorectal neoplasms. Identifiers: MedGen C0009405, MeSH D003123.
Lynch syndrome 5 (LYNCH5). Also called: Hereditary non-polyposis colorectal cancer, type 5; Colorectal cancer, hereditary nonpolyposis, type 5. Identifiers: Orphanet 144, MedGen C1833477, MONDO:0013710, OMIM 614350. Disease mechanism: loss of function.

Submissions (3):

Labcorp Genetics (formerly Invitae), Labcorp
Classification: Uncertain significance for Hereditary nonpolyposis colorectal neoplasms. Last evaluated: 2026-01-14. Review status: criteria provided, single submitter. Criteria: Invitae Variant Classification Sherloc (09022015). Collection method: clinical testing. Allele origin: germline.
Comment: This sequence change replaces arginine, which is basic and polar, with histidine, which is basic and polar, at codon 62 of the MSH6 protein (p.Arg62His). This variant is not present in population databases (gnomAD no frequency). This missense change has been observed in individual(s) with breast and/or ovarian cancer (PMID: 26898890). ClinVar contains an entry for this variant (Variation ID: 410506). Invitae Evidence Modeling of protein sequence and biophysical properties (such as structural, functional, and spatial information, amino acid conservation, physicochemical variation, residue mobility, and thermodynamic stability) indicates that this missense variant is not expected to disrupt MSH6 protein function with a negative predictive value of 95%. In summary, the available evidence is currently insufficient to determine the role of this variant in disease. Therefore, it has been classified as a Variant of Uncertain Significance.

Myriad Genetics, Inc.
Classification: Likely benign for Lynch syndrome 5. Last evaluated: 2024-12-17. Review status: criteria provided, single submitter. Criteria: Myriad Autosomal Dominant, Autosomal Recessive and X-Linked Classification Criteria (2023). Collection method: clinical testing. Allele origin: unknown.
Comment: This variant is considered likely benign. This variant has been observed in trans with a known pathogenic variant in one or more individuals lacking clinical features consistent with gene-specific recessive disease.

Ambry Genetics
Classification: Likely benign for Hereditary cancer-predisposing syndrome. Last evaluated: 2024-11-21. Review status: criteria provided, single submitter. Criteria: Ambry Variant Classification Scheme 2023. Collection method: clinical testing. Allele origin: germline.

Literature cited by the submitters: PubMed 26898890 (cited by Labcorp Genetics (formerly Invitae), Labcorp).

NM_000179.3(MSH6):c.185G>A (p.Arg62His)

Gene: MSH6 (mutS homolog 6; plus strand). Cytogenetic location: 2p16.3.
Variant type: single nucleotide variant.
Coding change: c.185G>A on transcript NM_000179.3 (MANE Select); coding-DNA position 185, G replaced by A.
Protein change: p.Arg62His; replaces arginine 62 with histidine.
Molecular consequence: missense variant. On other transcripts: 5 prime UTR variant (1).
Genome position (GRCh38, 1-based): chr2:47,783,418, G>A. VCF-style: chr2-47783418-G-A. GRCh37 (hg19) VCF-style: chr2-48010557-G-A.
Other names: c.185G>A, p.Arg62His (NM_001281492.2); c.-552G>A (NM_001281493.2); short protein forms R62H.
Identifiers: ClinVar variation 410506 (VCV000410506.12), dbSNP rs867979237, ClinGen allele CA16610871.